The following is an entry in ClinVar:

ClinVar aggregate classification (germline): Benign/Likely benign. Review status: criteria provided, multiple submitters, no conflicts (2 of 4 stars). 7 submissions from 6 submitters: Benign (3); Likely benign (1). 3 of the submissions do not count toward it. Last evaluated 2026-02-01.

Conditions:
Combined immunodeficiency due to DOCK8 deficiency (HIES2). Also called: HIES autosomal recessive; Hyper-IgE recurrent infection syndrome, autosomal recessive; HYPER-IgE RECURRENT INFECTION SYNDROME 2, AUTOSOMAL RECESSIVE; HYPER-IgE SYNDROME 2, AUTOSOMAL RECESSIVE, WITH RECURRENT INFECTIONS; DOCK8 Deficiency. Identifiers: Orphanet 217390, MedGen C4722305, MONDO:0009478, OMIM 243700.

Submissions (7):

Labcorp Genetics (formerly Invitae), Labcorp
Classification: Benign for Combined immunodeficiency due to DOCK8 deficiency. Last evaluated: 2026-02-01. Review status: criteria provided, single submitter. Criteria: Invitae Variant Classification Sherloc (09022015). Collection method: clinical testing. Allele origin: germline.

Women's Health and Genetics/Laboratory Corporation of America, LabCorp
Classification: Benign. Last evaluated: 2026-01-23. Review status: criteria provided, single submitter. Criteria: LabCorp Variant Classification Summary - May 2015. Collection method: clinical testing. Allele origin: germline.

Mayo Clinic Laboratories, Mayo Clinic
Classification: Benign. Last evaluated: 2025-09-03. Review status: criteria provided, single submitter. Criteria: ACMG Guidelines, 2015. Collection method: clinical testing. Allele origin: germline. Observed: 1 variant allele.
Comment: BS1, BS2, BP4, BP7

GeneDx
Classification: Likely benign. Last evaluated: 2022-01-21. Review status: criteria provided, single submitter. Criteria: GeneDx Variant Classification Process June 2021. Collection method: clinical testing. Allele origin: germline. Affected: yes.
Comment: See Variant Classification Assertion Criteria.

Clinical Genetics DNA and cytogenetics Diagnostics Lab, Erasmus MC, Erasmus Medical Center
Classification: Likely benign. Review status: no assertion criteria provided. Collection method: clinical testing. Allele origin: germline. Affected: yes. Study: VKGL Data-share Consensus. Not counted in ClinVar's aggregate classification.

Genome Diagnostics Laboratory, University Medical Center Utrecht
Classification: Likely benign. Review status: no assertion criteria provided. Collection method: clinical testing. Allele origin: germline. Affected: yes. Study: VKGL Data-share Consensus. Not counted in ClinVar's aggregate classification.

GeneDx
Classification: Likely benign. Last evaluated: 2017-07-11. Review status: flagged submission. Criteria: GeneDx Variant Classification (06012015). Collection method: clinical testing. Allele origin: germline. Affected: yes. Not counted in ClinVar's aggregate classification.
Comment: This variant is considered likely benign or benign based on one or more of the following criteria: it is a conservative change, it occurs at a poorly conserved position in the protein, it is predicted to be benign by multiple in silico algorithms, and/or has population frequency not consistent with disease.
ClinVar note: Reason: This record appears to be redundant with a more recent record from the same submitter.
ClinVar note: Notes: SCV000567959 appears to be redundant with SCV002575556.

NM_203447.4(DOCK8):c.3234+15del

Gene: DOCK8 (dedicator of cytokinesis 8; plus strand). Cytogenetic location: 9p24.3.
Variant type: Deletion.
Coding change: c.3234+15del on transcript NM_203447.4 (MANE Select); 15 bases into the intron after coding-DNA position 3234, one base deleted (C; older notation c.3234+15delC).
Molecular consequence: intron variant.
Genome position (GRCh38, 1-based): chr9:399,274, C deleted; the last of 7 consecutive C bases (chr9:399,268-399,274); deleting any one gives the same sequence. VCF-style (leftmost placement, unchanged base first): chr9-399267-TC-T. GRCh37 (hg19) VCF-style: chr9-399267-TC-T.
Other names: p.?; c.3234+15delC (NM_203447.4, NM_203447.3); c.3030+15del (NM_001193536.2); c.2934+15del (NM_001190458.2).
Identifiers: ClinVar variation 366971 (VCV000366971.18), dbSNP rs375864618, ClinGen allele CA4958571.